The following is an entry in ClinVar:

NM_181486.4(TBX5):c.663+6C>G

Gene: TBX5 (T-box transcription factor 5; minus strand). Cytogenetic location: 12q24.21.
Variant type: single nucleotide variant.
Coding change: c.663+6C>G on transcript NM_181486.4 (MANE Select); 6 bases into the intron after coding-DNA position 663, C replaced by G.
Molecular consequence: intron variant.
Genome position (GRCh38, 1-based): chr12:114,394,735, G>C on the plus strand (C>G on the coding strand, the complement: TBX5 is on the minus strand). VCF-style: chr12-114394735-G-C. GRCh37 (hg19) VCF-style: chr12-114832540-G-C.
Other names: c.663+6C>G (NM_000192.3); c.513+6C>G (NM_080717.4).
Identifiers: ClinVar variation 2973636 (VCV002973636.3), dbSNP rs777162346, ClinGen allele CA6809557.

ClinVar aggregate classification (germline): Uncertain significance (1 of 4 stars; one submission).

Conditions:
Aortic valve disease 2 (AOVD2). Identifiers: MedGen C3542024, MONDO:0013902, OMIM 614823.

Allele frequency attached by ClinVar (database versions not stated): TOPMed below 0.00001; ExAC 0.00001.
gnomAD v4.1: 3 of 1,614,026 alleles (0.00019%); highest among the groups gnomAD compares: South Asian, 0.0022%; no homozygotes.

Submission:

Labcorp Genetics (formerly Invitae), Labcorp
Classification: Uncertain significance for Aortic valve disease 2. Last evaluated: 2024-09-27. Review status: criteria provided, single submitter. Criteria: Invitae Variant Classification Sherloc (09022015). Collection method: clinical testing. Allele origin: germline.
Comment: This sequence change falls in intron 6 of the TBX5 gene. It does not directly change the encoded amino acid sequence of the TBX5 protein. It affects a nucleotide within the consensus splice site. This variant is present in population databases (rs777162346, gnomAD 0.003%). This variant has not been reported in the literature in individuals affected with TBX5-related conditions. Variants that disrupt the consensus splice site are a relatively common cause of aberrant splicing (PMID: 17576681, 9536098). Algorithms developed to predict the effect of sequence changes on RNA splicing suggest that this variant is not likely to affect RNA splicing. In summary, the available evidence is currently insufficient to determine the role of this variant in disease. Therefore, it has been classified as a Variant of Uncertain Significance.

Literature cited by the submitters: PubMed 17576681; PubMed 9536098.